The following is an entry in ClinVar:

ClinVar aggregate classification (germline): Likely pathogenic (1 of 4 stars; one submission).

Conditions:
Lethal congenital contracture syndrome 11 (LCCS11). Identifiers: MedGen C4310670, MONDO:0014965, OMIM 617194.

Submission:

Broad Center for Mendelian Genomics, Broad Institute of MIT and Harvard
Classification: Likely pathogenic for Lethal congenital contracture syndrome 11. Last evaluated: 2018-12-03. Review status: criteria provided, single submitter. Criteria: ACMG Guidelines, 2015. Collection method: research. Allele origin: germline. Inheritance: Autosomal recessive inheritance. Affected: yes.
Comment: The heterozygous p.Leu20Pro variant in GLDN was identified by our study in the compound heterozygous state, with a VUS, in three siblings with lethal congenital contracture syndrome. This variant segregated with disease in all three siblings, and was absent from large population studies. Computational prediction tools and conservation analyses do not provide strong support for or against an impact to the protein. In vitro functional studies conducted by our collaborators provide some evidence that the p.Leu20Pro variant may impact protein function by preventing localization to the cell membrane in cell-based assays, similarly to other variants identified in individuals with Lethal Arthrogyposis (PMID: 27616481). However, these types of assays may not accurately represent biological function. In summary, although additional studies are required to fully establish its clinical significance, this variant is likely pathogenic. ACMG/AMP Criteria applied: PM2, PS3, PP1 (Richards 2015).

Literature cited by the submitters: PubMed 27616481.

NM_181789.4(GLDN):c.59T>C (p.Leu20Pro)

Gene: GLDN (gliomedin; plus strand). Cytogenetic location: 15q21.2.
Variant type: single nucleotide variant.
Coding change: c.59T>C on transcript NM_181789.4 (MANE Select); coding-DNA position 59, T replaced by C.
Protein change: p.Leu20Pro; replaces leucine 20 with proline.
Molecular consequence: missense variant.
Genome position (GRCh38, 1-based): chr15:51,341,743, T>C. VCF-style: chr15-51341743-T-C. GRCh37 (hg19) VCF-style: chr15-51633940-T-C.
Other names: short protein forms L20P.
Identifiers: ClinVar variation 813924 (VCV000813924.1), dbSNP rs1595795307, ClinGen allele CA392423670.